The following is an entry in ClinVar:

NM_020971.3(SPTBN4):c.667A>G (p.Arg223Gly)

Gene: SPTBN4 (spectrin beta, non-erythrocytic 4; plus strand). Cytogenetic location: 19q13.2.
Variant type: single nucleotide variant.
Coding change: c.667A>G on transcript NM_020971.3 (MANE Select); coding-DNA position 667, A replaced by G.
Protein change: p.Arg223Gly; replaces arginine 223 with glycine.
Molecular consequence: missense variant.
Genome position (GRCh38, 1-based): chr19:40,494,976, A>G. VCF-style: chr19-40494976-A-G. GRCh37 (hg19) VCF-style: chr19-41000883-A-G.
Other names: short protein forms R223G.
Identifiers: ClinVar variation 4884504 (VCV004884504.1).

ClinVar aggregate classification (germline): Uncertain significance (1 of 4 stars; one submission).

Conditions:
Neurodevelopmental disorder with hypotonia, neuropathy, and deafness (NEDHND). Also called: SPTBN4 Disorder; Myopathy, congenital, with neuropathy and deafness. Identifiers: MedGen C4479603, MONDO:0060496, OMIM 617519.

Submission:

Diagnostics Services (NGS), CSIR - Centre For Cellular And Molecular Biology
Classification: Uncertain significance for Neurodevelopmental disorder with hypotonia, neuropathy, and deafness. Last evaluated: 2026-06-19. Review status: criteria provided, single submitter. Criteria: ACMG Guidelines, 2015. Collection method: clinical testing. Allele origin: germline. Affected: yes. Observed: 1 variant allele, 1 homozygote.
Comment: The c.667A>G variant is not present in publicly available population databases like 1000 Genome, EVS, gnomAD, Indian Exome Database or in our internal database. This variant has neither been published in the literature for SPTBN4-related conditions nor reported to clinical databases like Human Genome Mutation database (HGMD), OMIM, or ClinVar in any affected individuals. This variant is present near the exon-intron splice-junction (splice distance- 2 bp) and algorithms developed to predict the effect of sequence changes on RNA splicing suggest that this variant can disrupt the consensus splice site. In-silico pathogenicity prediction programs like HSF-Pro, SIFT4G, Polyphen-2, MutationTaster2021, CADD, REVEL, predicted this variant to be likely deleterious, however these predictions were not confirmed by published functional/translational studies.